The following is an entry in ClinVar:

ClinVar aggregate classification (germline): Likely pathogenic (1 of 4 stars; one submission).

Allele frequency attached by ClinVar (database versions not stated): TOPMed 0.00001.

Submission:

Labcorp Genetics (formerly Invitae), Labcorp
Classification: Likely pathogenic. Last evaluated: 2023-08-24. Review status: criteria provided, single submitter. Criteria: Invitae Variant Classification Sherloc (09022015). Collection method: clinical testing. Allele origin: germline.
Comment: In summary, the currently available evidence indicates that the variant is pathogenic, but additional data are needed to prove that conclusively. Therefore, this variant has been classified as Likely Pathogenic. Variants that disrupt the consensus splice site are a relatively common cause of aberrant splicing (PMID: 17576681, 9536098). Algorithms developed to predict the effect of sequence changes on RNA splicing suggest that this variant may disrupt the consensus splice site. This variant has been observed in individual(s) with clinical features of mitochondrial DNA depletion syndrome (Invitae). In at least one individual the data is consistent with being in trans (on the opposite chromosome) from a pathogenic variant. This variant is not present in population databases (gnomAD no frequency). This sequence change falls in intron 4 of the TK2 gene. It does not directly change the encoded amino acid sequence of the TK2 protein. It affects a nucleotide within the consensus splice site.

Literature cited by the submitters: PubMed 17576681; PubMed 9536098.

NM_004614.5(TK2):c.285+5G>A

Gene: TK2 (thymidine kinase 2; minus strand). Cytogenetic location: 16q21.
Variant type: single nucleotide variant.
Coding change: c.285+5G>A on transcript NM_004614.5 (MANE Select); 5 bases into the intron after coding-DNA position 285, G replaced by A.
Molecular consequence: intron variant.
Genome position (GRCh38, 1-based): chr16:66,536,959, C>T on the plus strand (G>A on the coding strand, the complement: TK2 is on the minus strand). VCF-style: chr16-66536959-C-T. GRCh37 (hg19) VCF-style: chr16-66570862-C-T.
Other names: c.192+5G>A (NM_001271935.1, NM_001172643.1); c.210+5G>A (NM_001172644.2); c.231+4920G>A (NM_001172645.2); c.138+5G>A (NM_001271934.2); c.-7+5G>A (NM_001272050.2).
Identifiers: ClinVar variation 3012339 (VCV003012339.3), dbSNP rs1597100789, ClinGen allele CA2228915539.